The following is an entry in ClinVar:

ClinVar aggregate classification (germline): Uncertain significance (1 of 4 stars; one submission).

gnomAD v4.1: 16 of 1,612,712 alleles (0.00099%); highest among the groups gnomAD compares: Non-Finnish European, 0.0014%; no homozygotes.

Submission:

Labcorp Genetics (formerly Invitae), Labcorp
Classification: Uncertain significance. Last evaluated: 2024-04-25. Review status: criteria provided, single submitter. Criteria: Invitae Variant Classification Sherloc (09022015). Collection method: clinical testing. Allele origin: germline.
Comment: This sequence change falls in intron 3 of the RP9 gene. It does not directly change the encoded amino acid sequence of the RP9 protein. It affects a nucleotide within the consensus splice site. This variant is present in population databases (rs765877467, gnomAD 0.003%). This variant has not been reported in the literature in individuals affected with RP9-related conditions. Variants that disrupt the consensus splice site are a relatively common cause of aberrant splicing (PMID: 17576681, 9536098). Algorithms developed to predict the effect of sequence changes on RNA splicing suggest that this variant may disrupt the consensus splice site. In summary, the available evidence is currently insufficient to determine the role of this variant in disease. Therefore, it has been classified as a Variant of Uncertain Significance.

Literature cited by the submitters: PubMed 17576681; PubMed 9536098.

NM_203288.2(RP9):c.313+5G>A

Gene: RP9 (RP9 pre-mRNA splicing factor; minus strand). Cytogenetic location: 7p14.3.
Variant type: single nucleotide variant.
Coding change: c.313+5G>A on transcript NM_203288.2 (MANE Select); 5 bases into the intron after coding-DNA position 313, G replaced by A.
Molecular consequence: intron variant.
Genome position (GRCh38, 1-based): chr7:33,099,302, C>T on the plus strand (G>A on the coding strand, the complement: RP9 is on the minus strand). VCF-style: chr7-33099302-C-T. GRCh37 (hg19) VCF-style: chr7-33138914-C-T.
Identifiers: ClinVar variation 3603994 (VCV003603994.2).
Genomic context (GRCh38, chr7:33,099,302, plus strand): 5'-GTAAACACTCTTTGTAAATTGAGGCATGTAAGTTGCATGGATTAGGGAAACTCTCCCACA[C>T]TCACACTGCATAACTTTGACTTCTTTCCCCAGTGGCATCCAAAGTCCTTTAGTTGGTGCA-3'